The following is an entry in ClinVar:

NM_000112.4(SLC26A2):c.965A>G (p.Asn322Ser)

Gene: SLC26A2 (solute carrier family 26 member 2; plus strand). Cytogenetic location: 5q32.
Variant type: single nucleotide variant.
Coding change: c.965A>G on transcript NM_000112.4 (MANE Select); coding-DNA position 965, A replaced by G.
Protein change: p.Asn322Ser; replaces asparagine 322 with serine.
Molecular consequence: missense variant.
Genome position (GRCh38, 1-based): chr5:149,980,558, A>G. VCF-style: chr5-149980558-A-G. GRCh37 (hg19) VCF-style: chr5-149360121-A-G.
Other names: short protein forms N322S.
Identifiers: ClinVar variation 1408986 (VCV001408986.5), dbSNP rs2113698024, ClinGen allele CA361706661.

ClinVar aggregate classification (germline): Uncertain significance (1 of 4 stars; one submission).

Conditions:
Achondrogenesis, type IB (ACG1B). Also called: Achondrogenesis Type 1B. Identifiers: Orphanet 932, Orphanet 93298, MedGen C0265274, MONDO:0010966, OMIM 600972.
Atelosteogenesis type II (AO2). Also called: NEONATAL OSSEOUS DYSPLASIA I; Neonatal osseous dysplasia 1; SLC26A2-Related Atelosteogenesis. Identifiers: Orphanet 56304, MedGen C1850554, MONDO:0009727, OMIM 256050.
Diastrophic dysplasia (DTD). Also called: Diastrophic dwarfism. Identifiers: Orphanet 628, MedGen C0220726, MONDO:0009107, OMIM 222600.
Multiple epiphyseal dysplasia type 4 (EDM4). Also called: SLC26A2-Related Multiple Epiphyseal Dysplasia; Multiple Epiphyseal Dysplasia, Recessive; MULTIPLE EPIPHYSEAL DYSPLASIA WITH BILAYERED PATELLAE; MULTIPLE EPIPHYSEAL DYSPLASIA WITH CLUBFOOT; MULTIPLE EPIPHYSEAL DYSPLASIA, AUTOSOMAL RECESSIVE. Identifiers: Orphanet 93307, MedGen C1847593, MONDO:0009189, OMIM 226900.

Allele frequency attached by ClinVar (database versions not stated): gnomAD exomes below 0.00001.
gnomAD v4.1: 6 of 1,614,188 alleles (0.00037%); highest among the groups gnomAD compares: Non-Finnish European, 0.00051%; no homozygotes.

Submission:

Labcorp Genetics (formerly Invitae), Labcorp
Classification: Uncertain significance for Atelosteogenesis type II; Multiple epiphyseal dysplasia type 4; Achondrogenesis, type IB; Diastrophic dysplasia. Last evaluated: 2021-08-28. Review status: criteria provided, single submitter. Criteria: Invitae Variant Classification Sherloc (09022015). Collection method: clinical testing. Allele origin: germline.
Comment: This sequence change replaces asparagine with serine at codon 322 of the SLC26A2 protein (p.Asn322Ser). The asparagine residue is highly conserved and there is a small physicochemical difference between asparagine and serine. This variant is not present in population databases (ExAC no frequency). This variant has not been reported in the literature in individuals affected with SLC26A2-related conditions. Advanced modeling of protein sequence and biophysical properties (such as structural, functional, and spatial information, amino acid conservation, physicochemical variation, residue mobility, and thermodynamic stability) performed at Invitae indicates that this missense variant is not expected to disrupt SLC26A2 protein function. In summary, the available evidence is currently insufficient to determine the role of this variant in disease. Therefore, it has been classified as a Variant of Uncertain Significance.